The following is an entry in ClinVar:

NM_000152.5(GAA):c.781G>C (p.Ala261Pro)

Gene: GAA (alpha glucosidase; plus strand). Cytogenetic location: 17q25.3.
Variant type: single nucleotide variant.
Coding change: c.781G>C on transcript NM_000152.5 (MANE Select); coding-DNA position 781, G replaced by C.
Protein change: p.Ala261Pro; replaces alanine 261 with proline.
Molecular consequence: missense variant.
Genome position (GRCh38, 1-based): chr17:80,107,645, G>C. VCF-style: chr17-80107645-G-C. GRCh37 (hg19) VCF-style: chr17-78081444-G-C.
Other names: c.781G>C, p.Ala261Pro (NM_001079803.3, NM_001079804.3); short protein forms A261P.
Identifiers: ClinVar variation 1355553 (VCV001355553.8), dbSNP rs543360994, ClinGen allele CA401363450.

ClinVar aggregate classification (germline): Uncertain significance (1 of 4 stars; one submission).

Conditions:
Glycogen storage disease, type II (IOPD). Also called: Glucosidase acid-1,4-alpha deficiency; Pompe Disease; GLYCOGENOSIS, GENERALIZED, CARDIAC FORM; GSD II; Glycogen storage disease type 2; Acid maltase deficiency disease. Identifiers: Orphanet 365, MedGen C0017921, MONDO:0009290, OMIM 232300.

gnomAD v4.1: 1 of 1,613,086 alleles (0.000062%); highest among the groups gnomAD compares: South Asian, 0.0011%; no homozygotes.

Submission:

Labcorp Genetics (formerly Invitae), Labcorp
Classification: Uncertain significance for Glycogen storage disease, type II. Last evaluated: 2021-05-20. Review status: criteria provided, single submitter. Criteria: Invitae Variant Classification Sherloc (09022015). Collection method: clinical testing. Allele origin: germline.
Comment: This variant has not been reported in the literature in individuals with GAA-related conditions. Advanced modeling of protein sequence and biophysical properties (such as structural, functional, and spatial information, amino acid conservation, physicochemical variation, residue mobility, and thermodynamic stability) performed at Invitae indicates that this missense variant is expected to disrupt GAA protein function. In summary, the available evidence is currently insufficient to determine the role of this variant in disease. Therefore, it has been classified as a Variant of Uncertain Significance. This sequence change replaces alanine with proline at codon 261 of the GAA protein (p.Ala261Pro). The alanine residue is weakly conserved and there is a small physicochemical difference between alanine and proline. This variant is not present in population databases (ExAC no frequency).